The following is an entry in ClinVar:

NM_001101.5(ACTB):c.476T>C (p.Val159Ala)

Gene: ACTB (actin beta; minus strand). Cytogenetic location: 7p22.1.
Variant type: single nucleotide variant.
Coding change: c.476T>C on transcript NM_001101.5 (MANE Select); coding-DNA position 476, T replaced by C.
Protein change: p.Val159Ala; replaces valine 159 with alanine.
Molecular consequence: missense variant.
Genome position (GRCh38, 1-based): chr7:5,528,607, A>G on the plus strand (T>C on the coding strand, the complement: ACTB is on the minus strand). VCF-style: chr7-5528607-A-G. GRCh37 (hg19) VCF-style: chr7-5568238-A-G.
Other names: short protein forms V159A.
Identifiers: ClinVar variation 1695182 (VCV001695182.31), dbSNP rs2128241291, ClinGen allele CA366703447.

ClinVar aggregate classification (germline): Likely pathogenic. Review status: criteria provided, multiple submitters, no conflicts (2 of 4 stars). 2 submissions from 2 submitters: Likely pathogenic (2). Last evaluated 2024-11-14.

Conditions:
ACTB-related disorder. Also called: ACTB-related condition; ACTB-related disorders.

Submissions (2):

3billion
Classification: Likely pathogenic for ACTB-related disorder. Last evaluated: 2024-11-14. Review status: criteria provided, single submitter. Criteria: ACMG Guidelines, 2015. Collection method: clinical testing. Allele origin: germline. Affected: yes.

CeGaT Center for Human Genetics Tuebingen
Classification: Likely pathogenic. Last evaluated: 2022-04-01. Review status: criteria provided, single submitter. Criteria: CeGaT Center For Human Genetics Tuebingen Variant Classification Criteria Version 2. Collection method: clinical testing. Allele origin: germline. Affected: yes. Observed: 1 variant allele.
Comment: ACTB: PS2, PM2, PP2